The following is an entry in ClinVar:

ClinVar aggregate classification (germline): Uncertain significance (1 of 4 stars; one submission).

Conditions:
Neuroblastoma, susceptibility to, 3. Also called: ALK-Related Neuroblastic Tumor Susceptibility. Identifiers: Orphanet 635, MedGen C2751681, MONDO:0013083, OMIM 613014.

gnomAD v4.1: 1 of 1,613,706 alleles (0.000062%); highest among the groups gnomAD compares: Non-Finnish European, 0.000085%; no homozygotes.

Submission:

Labcorp Genetics (formerly Invitae), Labcorp
Classification: Uncertain significance for Neuroblastoma, susceptibility to, 3. Last evaluated: 2024-11-24. Review status: criteria provided, single submitter. Criteria: Invitae Variant Classification Sherloc (09022015). Collection method: clinical testing. Allele origin: germline.
Comment: This sequence change falls in intron 3 of the ALK gene. It does not directly change the encoded amino acid sequence of the ALK protein. It affects a nucleotide within the consensus splice site. This variant is not present in population databases (gnomAD no frequency). This variant has not been reported in the literature in individuals affected with ALK-related conditions. Variants that disrupt the consensus splice site are a relatively common cause of aberrant splicing (PMID: 17576681, 9536098). Algorithms developed to predict the effect of sequence changes on RNA splicing suggest that this variant may disrupt the consensus splice site. In summary, the available evidence is currently insufficient to determine the role of this variant in disease. Therefore, it has been classified as a Variant of Uncertain Significance.

Literature cited by the submitters: PubMed 17576681; PubMed 9536098.

NM_004304.5(ALK):c.952+3A>T

Gene: ALK (ALK receptor tyrosine kinase; minus strand). Cytogenetic location: 2p23.2.
Variant type: single nucleotide variant.
Coding change: c.952+3A>T on transcript NM_004304.5 (MANE Select); 3 bases into the intron after coding-DNA position 952, A replaced by T.
Molecular consequence: intron variant.
Genome position (GRCh38, 1-based): chr2:29,694,847, T>A on the plus strand (A>T on the coding strand, the complement: ALK is on the minus strand). VCF-style: chr2-29694847-T-A. GRCh37 (hg19) VCF-style: chr2-29917713-T-A.
Identifiers: ClinVar variation 3725941 (VCV003725941.2).